The following is an entry in ClinVar:

NM_000133.4(F9):c.1069G>A (p.Gly357Arg)

Gene: F9 (coagulation factor IX; plus strand). Cytogenetic location: Xq27.1.
Variant type: single nucleotide variant.
Coding change: c.1069G>A on transcript NM_000133.4 (MANE Select); coding-DNA position 1069, G replaced by A.
Protein change: p.Gly357Arg; replaces glycine 357 with arginine.
Molecular consequence: missense variant.
Genome position (GRCh38, 1-based): chrX:139,561,754, G>A. VCF-style: chrX-139561754-G-A. GRCh37 (hg19) VCF-style: chrX-138643913-G-A.
Other names: F9, GLY311ARG; G311R; c.955G>A, p.Gly319Arg (NM_001313913.2); short protein forms G357R, G319R.
Identifiers: ClinVar variation 10611 (VCV000010611.5), dbSNP rs137852257, ClinGen allele CA255389.

ClinVar aggregate classification (germline): Pathogenic/Likely pathogenic. Review status: criteria provided, multiple submitters, no conflicts (2 of 4 stars). 3 submissions from 3 submitters: Pathogenic (1); Likely pathogenic (1). 1 of the submissions does not count toward it. Last evaluated 2022-09-01.

Conditions:
Hereditary factor IX deficiency disease (HEMB). Also called: Christmas Disease; F9 DEFICIENCY; FACTOR IX DEFICIENCY; Hemophilia B; PLASMA THROMBOPLASTIN COMPONENT DEFICIENCY. Identifiers: Orphanet 98879, MedGen C0008533, MeSH D002836, MONDO:0010604, OMIM 306900.
Hereditary factor VIII deficiency disease (HEMA). Also called: HEMOPHILIA, CLASSIC; Hemophilia A; Hemophilia A, congenital; HEM A; Factor 8 deficiency, congenital; AUTOSOMAL HEMOPHILIA A. Identifiers: Orphanet 98878, MedGen C0019069, MONDO:0010602, OMIM 306700.

Allele frequency attached by ClinVar (database versions not stated): TOPMed 0.00002.

Submissions (3):

3billion
Classification: Pathogenic for Hereditary factor IX deficiency disease. Last evaluated: 2022-09-01. Review status: criteria provided, single submitter. Criteria: ACMG Guidelines, 2015. Collection method: clinical testing. Allele origin: germline. Affected: yes. Observed: 1 heterozygote.
Comment: The variant is not observed in the gnomAD v2.1.1 dataset. It is located in a mutational hot spot and/or well-established functional domain in which established pathogenic variants have been reported. Missense changes are a common disease-causing mechanism. The variant has been confirmed to be de novo as shown in the table above In silico tool predictions suggest damaging effect of the variant on gene or gene product (REVEL: 0.95; 3Cnet: 0.99). Same nucleotide change resulting in same amino acid change has been previously reported to be associated with F9-related disorder (ClinVar ID: VCV000010611 / PMID: 7937052). Different missense changes at the same codon (p.Gly357Glu, p.Gly357Val) have been reported to be associated with F9-related disorder (ClinVar ID: VCV000010647 / PMID: 7937052). Therefore, this variant is classified as Pathogenic according to the recommendation of ACMG/AMP guideline.

NIHR Bioresource Rare Diseases, University of Cambridge
Classification: Likely pathogenic for Hereditary factor VIII deficiency disease. Last evaluated: 2019-02-01. Review status: criteria provided, single submitter. Criteria: ACMG Guidelines, 2015. Collection method: research. Allele origin: unknown. Affected: yes. Observed: 1 hemizygote. Study: ThromboGenomics.

OMIM
Classification: Pathogenic for HEMOPHILIA B. Last evaluated: 1989-09-01. Review status: no assertion criteria provided. Collection method: literature only. Allele origin: germline. Not counted in ClinVar's aggregate classification.

Literature cited by the submitters: PubMed 7937052 (cited by 3billion); PubMed 31064749 (cited by NIHR Bioresource Rare Diseases, University of Cambridge); PubMed 2773937 (cited by OMIM).